The following is an entry in ClinVar:

NM_001252024.2(TRPM1):c.1438-2A>G

Gene: TRPM1 (transient receptor potential cation channel subfamily M member 1; minus strand). Cytogenetic location: 15q13.3.
Variant type: single nucleotide variant.
Coding change: c.1438-2A>G on transcript NM_001252024.2 (MANE Select); the canonical splice acceptor site of the intron before coding-DNA position 1438, A replaced by G.
Molecular consequence: splice acceptor variant.
Genome position (GRCh38, 1-based): chr15:31,049,511, T>C on the plus strand (A>G on the coding strand, the complement: TRPM1 is on the minus strand). VCF-style: chr15-31049511-T-C. GRCh37 (hg19) VCF-style: chr15-31341714-T-C.
Other names: c.1489-2A>G (NM_001252020.2); c.1372-2A>G (NM_002420.6).
Identifiers: ClinVar variation 2988022 (VCV002988022.3), dbSNP rs1290548622, ClinGen allele CA391517199.

ClinVar aggregate classification (germline): Likely pathogenic (1 of 4 stars; one submission).

Allele frequency attached by ClinVar (database versions not stated): TOPMed below 0.00001; gnomAD exomes 0.00001.
gnomAD v4.1: 8 of 1,613,752 alleles (0.0005%); highest among the groups gnomAD compares: Non-Finnish European, 0.00068%; no homozygotes.

Submission:

Labcorp Genetics (formerly Invitae), Labcorp
Classification: Likely pathogenic. Last evaluated: 2024-12-02. Review status: criteria provided, single submitter. Criteria: Invitae Variant Classification Sherloc (09022015). Collection method: clinical testing. Allele origin: germline.
Comment: This sequence change affects an acceptor splice site in intron 11 of the TRPM1 gene. It is expected to disrupt RNA splicing. Variants that disrupt the donor or acceptor splice site typically lead to a loss of protein function (PMID: 16199547), and loss-of-function variants in TRPM1 are known to be pathogenic (PMID: 19896113, 19966281, 20300565). The frequency data for this variant in the population databases is considered unreliable, as metrics indicate poor data quality at this position in the gnomAD database. This variant has not been reported in the literature in individuals affected with TRPM1-related conditions. ClinVar contains an entry for this variant (Variation ID: 2988022). Algorithms developed to predict the effect of sequence changes on RNA splicing suggest that this variant may disrupt the consensus splice site. In summary, the currently available evidence indicates that the variant is pathogenic, but additional data are needed to prove that conclusively. Therefore, this variant has been classified as Likely Pathogenic.

Literature cited by the submitters: PubMed 16199547; PubMed 19896113; PubMed 19966281; PubMed 20300565.